The following is an entry in ClinVar:

NM_201384.3(PLEC):c.4045-269G>A

Gene: PLEC (plectin; minus strand). Cytogenetic location: 8q24.3.
Variant type: single nucleotide variant.
Coding change: c.4045-269G>A on transcript NM_201384.3 (MANE Select); 269 bases into the intron before coding-DNA position 4045, G replaced by A.
Molecular consequence: intron variant.
Genome position (GRCh38, 1-based): chr8:143,926,153, C>T on the plus strand (G>A on the coding strand, the complement: PLEC is on the minus strand). VCF-style: chr8-143926153-C-T. GRCh37 (hg19) VCF-style: chr8-145000321-C-T.
Other names: NC_000008.10:g.145000321C>T; c.4126-269G>A (NM_000445.5); c.4003-269G>A (NM_201378.4); c.3979-269G>A (NM_201379.3); c.4456-269G>A (NM_201380.4); c.3949-269G>A (NM_201381.3); c.4045-269G>A (NM_201382.4); c.4057-269G>A (NM_201383.3).
Identifiers: ClinVar variation 683693 (VCV000683693.2), dbSNP rs6993953, ClinGen allele CA12801451.
Genomic context (GRCh38, chr8:143,926,153, plus strand): 5'-GGGGAAGGAGGCCCAGGCGTCCTCCCTGCTTCCCGCAGACAGGCGACGGAGACAGACGGA[C>T]GGGGAGAGAGAGAGCAAAGCAGGAGCTCGGAACCTGCGAGCCACACCCAGCACACAGCCC-3'

ClinVar aggregate classification (germline): Benign (1 of 4 stars; one submission).

Allele frequency attached by ClinVar (database versions not stated): 1000 Genomes Project 30x 0.22986; 1000 Genomes Project 0.23123; TOPMed 0.28229; gnomAD 0.29994 and 0.30168.
gnomAD v4.1: 46,079 of 152,128 alleles (30%); highest among the groups gnomAD compares: Non-Finnish European, 41%; 8,661 homozygotes.

Submissions (8):

GeneDx
Classification: Benign. Last evaluated: 2018-06-19. Review status: criteria provided, single submitter. Criteria: GeneDx Variant Classification (06012015). Collection method: clinical testing. Allele origin: germline. Affected: yes.
Comment: This variant is considered likely benign or benign based on one or more of the following criteria: it is a conservative change, it occurs at a poorly conserved position in the protein, it is predicted to be benign by multiple in silico algorithms, and/or has population frequency not consistent with disease.

Dr. Peter K. Rogan Lab, Western University
No classification provided (evidence only). Condition: Uterine corpus endometrial carcinoma. Review status: no classification provided. Collection method: in vitro. Allele origin: not applicable. Functional consequence: skipped exon, retained intron. Not counted in ClinVar's aggregate classification.

Dr. Peter K. Rogan Lab, Western University
No classification provided (evidence only). Condition: Cervical cancer. Review status: no classification provided. Collection method: in vitro. Allele origin: not applicable. Functional consequence: skipped exon. Not counted in ClinVar's aggregate classification.

Dr. Peter K. Rogan Lab, Western University
No classification provided (evidence only). Condition: Sarcoma. Review status: no classification provided. Collection method: in vitro. Allele origin: not applicable. Functional consequence: skipped exon, retained intron. Not counted in ClinVar's aggregate classification.

Dr. Peter K. Rogan Lab, Western University
No classification provided (evidence only). Condition: Uterine carcinosarcoma. Review status: no classification provided. Collection method: in vitro. Allele origin: not applicable. Functional consequence: skipped exon. Not counted in ClinVar's aggregate classification.

Dr. Peter K. Rogan Lab, Western University
No classification provided (evidence only). Condition: Uterine carcinosarcoma. Review status: no classification provided. Collection method: in vitro. Allele origin: not applicable. Functional consequence: skipped exon, retained intron. Not counted in ClinVar's aggregate classification.

Dr. Peter K. Rogan Lab, Western University
No classification provided (evidence only). Condition: Uterine carcinosarcoma. Review status: no classification provided. Collection method: in vitro. Allele origin: not applicable. Functional consequence: retained intron. Not counted in ClinVar's aggregate classification.

Dr. Peter K. Rogan Lab, Western University
No classification provided (evidence only). Condition: Malignant tumor of esophagus. Review status: no classification provided. Collection method: in vitro. Allele origin: not applicable. Functional consequence: skipped exon. Not counted in ClinVar's aggregate classification.